The following is an entry in ClinVar:

ClinVar aggregate classification (germline): Likely benign. Review status: criteria provided, multiple submitters, no conflicts (2 of 4 stars). 3 submissions from 3 submitters: Likely benign (2). 1 of the submissions does not count toward it. Last evaluated 2026-02-01.

Conditions:
TTN-related disorder. Also called: TTN-related condition; TTN-related disease; TTN-related disorders.
Dilated cardiomyopathy 1G (CMD1G). Identifiers: Orphanet 154, MedGen C1858763, MONDO:0011400, OMIM 604145.
Autosomal recessive limb-girdle muscular dystrophy type 2J (LGMDR10). Also called: MUSCULAR DYSTROPHY, LIMB-GIRDLE, AUTOSOMAL RECESSIVE 10; Limb-girdle muscular dystrophy, type 2J. Identifiers: Orphanet 140922, MedGen C1837342, MONDO:0012127, OMIM 608807.
Cardiovascular phenotype. Identifiers: MedGen CN230736.

Allele frequency attached by ClinVar (database versions not stated): gnomAD exomes below 0.00001; gnomAD 0.00001; TOPMed 0.00001.
gnomAD v4.1: 5 of 1,613,396 alleles (0.00031%); highest among the groups gnomAD compares: East Asian, 0.0045%; no homozygotes.

Submissions (3):

Labcorp Genetics (formerly Invitae), Labcorp
Classification: Likely benign for Dilated cardiomyopathy 1G; Autosomal recessive limb-girdle muscular dystrophy type 2J. Last evaluated: 2026-02-01. Review status: criteria provided, single submitter. Criteria: Invitae Variant Classification Sherloc (09022015). Collection method: clinical testing. Allele origin: germline.

Ambry Genetics
Classification: Likely benign for Cardiovascular phenotype. Last evaluated: 2022-09-05. Review status: criteria provided, single submitter. Criteria: Ambry Variant Classification Scheme 2023. Collection method: clinical testing. Allele origin: germline.

PreventionGenetics, part of Exact Sciences
Classification: Likely benign for TTN-related condition. Last evaluated: 2019-02-28. Review status: no assertion criteria provided. Collection method: clinical testing. Allele origin: germline. Not counted in ClinVar's aggregate classification.
Comment: This variant is classified as likely benign based on ACMG/AMP sequence variant interpretation guidelines (Richards et al. 2015 PMID: 25741868, with internal and published modifications).

NM_001267550.2(TTN):c.79416A>G (p.Pro26472=)

Genes: TTN (titin; minus strand), TTN-AS1 (TTN antisense RNA 1; plus strand). Cytogenetic location: 2q31.2.
Variant type: single nucleotide variant.
Coding change: c.79416A>G on transcript NM_001267550.2 (MANE Select); coding-DNA position 79416, A replaced by G.
Protein change: p.Pro26472=; no amino-acid change (proline 26472 retained).
Molecular consequence: synonymous variant.
Genome position (GRCh38, 1-based): chr2:178,566,716, T>C on the plus strand (A>G on the coding strand, the complement: TTN is on the minus strand). VCF-style: chr2-178566716-T-C. GRCh37 (hg19) VCF-style: chr2-179431443-T-C.
Other names: c.74493A>G, p.Pro24831= (NM_001256850.1); c.52221A>G, p.Pro17407= (NM_003319.4); c.71712A>G, p.Pro23904= (NM_133378.4); c.52596A>G, p.Pro17532= (NM_133432.3); c.52797A>G, p.Pro17599= (NM_133437.4).
Identifiers: ClinVar variation 697750 (VCV000697750.15), dbSNP rs1173305141, ClinGen allele CA430252478.
Genomic context (GRCh38, chr2:178,566,716, plus strand): 5'-GGTAGGTGGGCCAGGTTTGAACACAGGATCACAGGCTTTATAATAAACTGTAGCTGGACT[T>C]GGTTCCCCAACTCCAGCAGCATTTTCTGCAGAGACCCTGAATTCATACTCATGATCTTCT-3'
Protein context (NP_001254479.2, residues 26462-26482): SAENAAGVGE[Pro26472=]SPATVYYKAC